The following is an entry in ClinVar:

NM_001128840.3(CACNA1D):c.3054C>G (p.Ile1018Met)

Gene: CACNA1D (calcium voltage-gated channel subunit alpha1 D; plus strand). Cytogenetic location: 3p21.1.
Variant type: single nucleotide variant.
Coding change: c.3054C>G on transcript NM_001128840.3 (MANE Select); coding-DNA position 3054, C replaced by G.
Protein change: p.Ile1018Met; replaces isoleucine 1018 with methionine.
Molecular consequence: missense variant.
Genome position (GRCh38, 1-based): chr3:53,745,671, C>G. VCF-style: chr3-53745671-C-G. GRCh37 (hg19) VCF-style: chr3-53779698-C-G.
Other names: c.3114C>G, p.Ile1038Met (NM_000720.4); c.3054C>G, p.Ile1018Met (NM_001128839.3); short protein forms I1018M, I1038M.
Identifiers: ClinVar variation 4976377 (VCV004976377.1).

ClinVar aggregate classification (germline): Uncertain significance (1 of 4 stars; one submission).

Submission:

GeneDx
Classification: Uncertain significance. Last evaluated: 2026-02-19. Review status: criteria provided, single submitter. Criteria: GeneDx Variant Classification Process June 2021. Collection method: clinical testing. Allele origin: germline.
Comment: Not observed at significant frequency in large population cohorts (gnomAD); In silico analysis supports that this missense variant has a deleterious effect on protein structure/function; Has not been previously published as pathogenic or benign to our knowledge